The following is an entry in ClinVar:

ClinVar aggregate classification (germline): Benign/Likely benign. Review status: criteria provided, multiple submitters, no conflicts (2 of 4 stars). 3 submissions from 3 submitters: Benign (1); Likely benign (2). Last evaluated 2024-01-01.

Allele frequency attached by ClinVar (database versions not stated): TOPMed 0.00229; ESP Exome Variant Server 0.00277; 1000 Genomes Project 30x 0.00156; 1000 Genomes Project 0.00180; ExAC 0.00209.
gnomAD v4.1: 4,288 of 1,614,158 alleles (0.27%); highest among the groups gnomAD compares: Admixed American, 0.37%; 7 homozygotes.

Submissions (3):

CeGaT Center for Human Genetics Tuebingen
Classification: Benign. Last evaluated: 2024-01-01. Review status: criteria provided, single submitter. Criteria: CeGaT Center For Human Genetics Tuebingen Variant Classification Criteria Version 2. Collection method: clinical testing. Allele origin: germline. Affected: yes. Observed: 4 variant alleles.
Comment: TRPM2: BS1, BS2

Labcorp Genetics (formerly Invitae), Labcorp
Classification: Likely benign. Last evaluated: 2019-12-31. Review status: criteria provided, single submitter. Criteria: Invitae Variant Classification Sherloc (09022015). Collection method: clinical testing. Allele origin: germline.

Breakthrough Genomics
Classification: Likely benign. Review status: criteria provided, single submitter. Criteria: ACMG Guidelines, 2015. Collection method: not provided. Allele origin: germline. Inheritance: Unknown mechanism. Affected: yes.

NM_003307.4(TRPM2):c.3797C>T (p.Thr1266Met)

Gene: TRPM2 (transient receptor potential cation channel subfamily M member 2; plus strand). Cytogenetic location: 21q22.3.
Variant type: single nucleotide variant.
Coding change: c.3797C>T on transcript NM_003307.4 (MANE Select); coding-DNA position 3797, C replaced by T.
Protein change: p.Thr1266Met; replaces threonine 1266 with methionine.
Molecular consequence: missense variant. On other transcripts: non-coding transcript variant (1), intron variant (1).
Genome position (GRCh38, 1-based): chr21:44,426,661, C>T. VCF-style: chr21-44426661-C-T. GRCh37 (hg19) VCF-style: chr21-45846544-C-T.
Other names: c.3947C>T, p.Thr1316Met (NM_001320350.2); c.3797C>T, p.Thr1266Met (NM_001320351.2); c.-20-39C>T (NM_001320352.3); short protein forms T1266M, T1316M.
Identifiers: ClinVar variation 725474 (VCV000725474.29), dbSNP rs144380426, ClinGen allele CA10055630.